The following is an entry in ClinVar:

NM_001360.3(DHCR7):c.1143C>T (p.Ser381=)

Gene: DHCR7 (7-dehydrocholesterol reductase; minus strand). Cytogenetic location: 11q13.4.
Variant type: single nucleotide variant.
Coding change: c.1143C>T on transcript NM_001360.3 (MANE Select); coding-DNA position 1143, C replaced by T.
Protein change: p.Ser381=; no amino-acid change (serine 381 retained).
Molecular consequence: synonymous variant.
Genome position (GRCh38, 1-based): chr11:71,435,660, G>A on the plus strand (C>T on the coding strand, the complement: DHCR7 is on the minus strand). VCF-style: chr11-71435660-G-A. GRCh37 (hg19) VCF-style: chr11-71146706-G-A.
Other names: c.1143C>T, p.Ser381= (NM_001163817.2).
Identifiers: ClinVar variation 1223840 (VCV001223840.5), dbSNP rs1949270089, ClinGen allele CA381701838.

ClinVar aggregate classification (germline): Likely benign. Review status: criteria provided, single submitter (1 of 4 stars). 2 submissions from 2 submitters: Likely benign (1). 1 of the submissions does not count toward it. Last evaluated 2019-10-14.

Conditions:
DHCR7-related disorder. Also called: DHCR7-related condition.

Allele frequency attached by ClinVar (database versions not stated): TOPMed below 0.00001.

Submissions (2):

GeneDx
Classification: Likely benign. Last evaluated: 2019-10-14. Review status: criteria provided, single submitter. Criteria: GeneDx Variant Classification Process June 2021. Collection method: clinical testing. Allele origin: germline. Affected: yes.

PreventionGenetics, part of Exact Sciences
Classification: Likely benign for DHCR7-related condition. Last evaluated: 2022-02-14. Review status: no assertion criteria provided. Collection method: clinical testing. Allele origin: germline. Not counted in ClinVar's aggregate classification.
Comment: This variant is classified as likely benign based on ACMG/AMP sequence variant interpretation guidelines (Richards et al. 2015 PMID: 25741868, with internal and published modifications).